The following is an entry in ClinVar:

ClinVar aggregate classification (germline): Pathogenic (1 of 4 stars; one submission).

Conditions:
Orofaciodigital syndrome I (OFD1). Also called: OFDS I; Oral-Facial-Digital Syndrome Type I; Papillon-Leage and Psaume Syndrome. Identifiers: Orphanet 2750, MedGen C1510460, MONDO:0010702, OMIM 311200.
Joubert syndrome. Also called: CEREBELLOPARENCHYMAL DISORDER IV; JOUBERT-BOLTSHAUSER SYNDROME; Familial aplasia of the vermis. Identifiers: Orphanet 475, MedGen C5979921, MONDO:0018772.

Submission:

Labcorp Genetics (formerly Invitae), Labcorp
Classification: Pathogenic for Orofaciodigital syndrome I; Joubert syndrome. Last evaluated: 2024-11-27. Review status: criteria provided, single submitter. Criteria: Invitae Variant Classification Sherloc (09022015). Collection method: clinical testing. Allele origin: germline.
Comment: This sequence change creates a premature translational stop signal (p.Gln189*) in the OFD1 gene. It is expected to result in an absent or disrupted protein product. Loss-of-function variants in OFD1 are known to be pathogenic (PMID: 16783569, 18546297, 27081566). This variant is not present in population databases (gnomAD no frequency). This variant has not been reported in the literature in individuals affected with OFD1-related conditions. ClinVar contains an entry for this variant (Variation ID: 850571). For these reasons, this variant has been classified as Pathogenic.

Literature cited by the submitters: PubMed 16783569; PubMed 18546297; PubMed 27081566.

NM_003611.3(OFD1):c.565C>T (p.Gln189Ter)

Gene: OFD1 (OFD1 centriole and centriolar satellite protein; plus strand). Cytogenetic location: Xp22.2.
Variant type: single nucleotide variant.
Coding change: c.565C>T on transcript NM_003611.3 (MANE Select); coding-DNA position 565, C replaced by T.
Protein change: p.Gln189Ter; replaces glutamine 189 with a stop codon.
Molecular consequence: nonsense.
Genome position (GRCh38, 1-based): chrX:13,746,366, C>T. VCF-style: chrX-13746366-C-T. GRCh37 (hg19) VCF-style: chrX-13764485-C-T.
Other names: c.565C>T, p.Gln189Ter (NM_001330209.2); c.145C>T, p.Gln49Ter (NM_001330210.2); short protein forms Q189*, Q49*.
Identifiers: ClinVar variation 850571 (VCV000850571.8), dbSNP rs2047298129, ClinGen allele CA412337033.